The following is an entry in ClinVar:

ClinVar aggregate classification (germline): Uncertain significance (1 of 4 stars; one submission).

Submission:

CeGaT Center for Human Genetics Tuebingen
Classification: Uncertain significance. Last evaluated: 2022-04-01. Review status: criteria provided, single submitter. Criteria: CeGaT Center For Human Genetics Tuebingen Variant Classification Criteria Version 2. Collection method: clinical testing. Allele origin: germline. Affected: yes. Observed: 1 variant allele.
Comment: RPS19: PM2, PP2

NM_001022.4(RPS19):c.422C>T (p.Ala141Val)

Genes: RPS19 (ribosomal protein S19; plus strand), RPS19-CD79A (RPS19-CD79A readthrough; plus strand). Cytogenetic location: 19q13.2.
Variant type: single nucleotide variant.
Coding change: c.422C>T on transcript NM_001022.4 (MANE Select); coding-DNA position 422, C replaced by T.
Protein change: p.Ala141Val; replaces alanine 141 with valine.
Molecular consequence: missense variant. On other transcripts: synonymous variant (1).
Genome position (GRCh38, 1-based): chr19:41,871,361, C>T. VCF-style: chr19-41871361-C-T. GRCh37 (hg19) VCF-style: chr19-42375429-C-T.
Other names: c.422C>T, p.Ala141Val (NM_001321483.2, NM_001321484.2); c.435C>T, p.Cys145= (NM_001321485.2); short protein forms A141V.
Identifiers: ClinVar variation 1694920 (VCV001694920.31), dbSNP rs2123290729, ClinGen allele CA406030830.